The following is an entry in ClinVar:

NM_170784.3(MKKS):c.820G>A (p.Asp274Asn)

Gene: MKKS (MKKS centrosomal shuttling protein; minus strand). Cytogenetic location: 20p12.2.
Variant type: single nucleotide variant.
Coding change: c.820G>A on transcript NM_170784.3 (MANE Select); coding-DNA position 820, G replaced by A.
Protein change: p.Asp274Asn; replaces aspartic acid 274 with asparagine.
Molecular consequence: missense variant.
Genome position (GRCh38, 1-based): chr20:10,412,695, C>T on the plus strand (G>A on the coding strand, the complement: MKKS is on the minus strand). VCF-style: chr20-10412695-C-T. GRCh37 (hg19) VCF-style: chr20-10393343-C-T.
Other names: c.820G>A (NM_018848.2); c.820G>A, p.Asp274Asn (NM_018848.3); short protein forms D274N.
Identifiers: ClinVar variation 1016713 (VCV001016713.9), dbSNP rs2064899452, ClinGen allele CA408232285.

ClinVar aggregate classification (germline): Uncertain significance. Review status: criteria provided, multiple submitters, no conflicts (2 of 4 stars). 3 submissions from 3 submitters: Uncertain significance (2). 1 of the submissions does not count toward it. Last evaluated 2025-06-10.

Conditions:
Inborn genetic diseases. Identifiers: MedGen C0950123, MeSH D030342.
Bardet-Biedl syndrome (BBS). Identifiers: Orphanet 110, MedGen C0752166, MONDO:0015229.
McKusick-Kaufman syndrome (MKKS). Also called: HYDROMETROCOLPOS SYNDROME; HYDROMETROCOLPOS, POSTAXIAL POLYDACTYLY, AND CONGENITAL HEART MALFORMATION. Identifiers: Orphanet 2473, MedGen C0948368, MONDO:0009367, OMIM 236700.
MKKS-related disorder. Also called: MKKS-related disorders; MKKS-related condition.

Allele frequency attached by ClinVar (database versions not stated): TOPMed 0.00001.

Submissions (3):

Ambry Genetics
Classification: Uncertain significance for Inborn genetic diseases. Last evaluated: 2025-06-10. Review status: criteria provided, single submitter. Criteria: Ambry Variant Classification Scheme 2023. Collection method: clinical testing. Allele origin: germline.

Labcorp Genetics (formerly Invitae), Labcorp
Classification: Uncertain significance for McKusick-Kaufman syndrome; Bardet-Biedl syndrome. Last evaluated: 2024-10-16. Review status: criteria provided, single submitter. Criteria: Invitae Variant Classification Sherloc (09022015). Collection method: clinical testing. Allele origin: germline.
Comment: This sequence change replaces aspartic acid, which is acidic and polar, with asparagine, which is neutral and polar, at codon 274 of the MKKS protein (p.Asp274Asn). This variant is not present in population databases (gnomAD no frequency). This variant has not been reported in the literature in individuals affected with MKKS-related conditions. ClinVar contains an entry for this variant (Variation ID: 1016713). Invitae Evidence Modeling of protein sequence and biophysical properties (such as structural, functional, and spatial information, amino acid conservation, physicochemical variation, residue mobility, and thermodynamic stability) has been performed for this missense variant. However, the output from this modeling did not meet the statistical confidence thresholds required to predict the impact of this variant on MKKS protein function. In summary, the available evidence is currently insufficient to determine the role of this variant in disease. Therefore, it has been classified as a Variant of Uncertain Significance.

PreventionGenetics, part of Exact Sciences
Classification: Uncertain significance for MKKS-related condition. Last evaluated: 2024-08-21. Review status: no assertion criteria provided. Collection method: clinical testing. Allele origin: germline. Not counted in ClinVar's aggregate classification.
Comment: The MKKS c.820G>A variant is predicted to result in the amino acid substitution p.Asp274Asn. To our knowledge, this variant has not been reported in the literature or in a large population database, indicating this variant is rare. At this time, the clinical significance of this variant is uncertain due to the absence of conclusive functional and genetic evidence.